The following is an entry in ClinVar:

NM_000059.4(BRCA2):c.9931C>A (p.Pro3311Thr)

Gene: BRCA2 (BRCA2 DNA repair associated; plus strand). Cytogenetic location: 13q13.1.
Variant type: single nucleotide variant.
Coding change: c.9931C>A on transcript NM_000059.4 (MANE Select); coding-DNA position 9931, C replaced by A.
Protein change: p.Pro3311Thr; replaces proline 3311 with threonine.
Molecular consequence: missense variant. On other transcripts: non-coding transcript variant (1).
Genome position (GRCh38, 1-based): chr13:32,398,444, C>A. VCF-style: chr13-32398444-C-A. GRCh37 (hg19) VCF-style: chr13-32972581-C-A.
Other names: c.9835C>A, p.Pro3279Thr (NM_001406719.1); c.9880C>A, p.Pro3294Thr (NM_001406720.1); c.4999C>A, p.Pro1667Thr (NM_001406721.1); c.3514C>A, p.Pro1172Thr (NM_001406722.1); c.9931C>A, p.Pro3311Thr (NM_001432077.1); short protein forms P3294T, P1172T, P3311T, P1667T, P3279T.
Identifiers: ClinVar variation 3482195 (VCV003482195.1).

ClinVar aggregate classification (germline): Uncertain significance (1 of 4 stars; one submission).

Conditions:
Hereditary cancer-predisposing syndrome. Also called: Tumor predisposition; Neoplastic Syndromes, Hereditary; Hereditary Cancer Syndrome; Hereditary neoplastic syndrome. Identifiers: Orphanet 140162, MedGen C0027672, MeSH D009386, MONDO:0015356.

Submission:

Ambry Genetics
Classification: Uncertain significance for Hereditary cancer-predisposing syndrome. Last evaluated: 2024-11-18. Review status: criteria provided, single submitter. Criteria: Ambry Variant Classification Scheme 2023. Collection method: clinical testing. Allele origin: germline.
Comment: The p.P3311T variant (also known as c.9931C>A), located in coding exon 26 of the BRCA2 gene, results from a C to A substitution at nucleotide position 9931. The proline at codon 3311 is replaced by threonine, an amino acid with highly similar properties. This amino acid position is conserved. In addition, this alteration is predicted to be tolerated by in silico analysis. Based on the available evidence, the clinical significance of this variant remains unclear.